The following is an entry in ClinVar:

NM_003126.4(SPTA1):c.3049G>A (p.Val1017Met)

Gene: SPTA1 (spectrin alpha, erythrocytic 1; minus strand). Cytogenetic location: 1q23.1.
Variant type: single nucleotide variant.
Coding change: c.3049G>A on transcript NM_003126.4 (MANE Select); coding-DNA position 3049, G replaced by A.
Protein change: p.Val1017Met; replaces valine 1017 with methionine.
Molecular consequence: missense variant.
Genome position (GRCh38, 1-based): chr1:158,653,413, C>T on the plus strand (G>A on the coding strand, the complement: SPTA1 is on the minus strand). VCF-style: chr1-158653413-C-T. GRCh37 (hg19) VCF-style: chr1-158623203-C-T.
Other names: short protein forms V1017M.
Identifiers: ClinVar variation 5037295 (VCV005037295.1).
Genomic context (GRCh38, chr1:158,653,413, plus strand): 5'-CGTGGGCCAGTCTTCTGACATAGACAGCTGGGACAATGCCCTGATGATCAGCAGCTTCCA[C>T]CTTCCACCAGTCCTGAAGGGAGAGCAGATCCCCACTCCGTCATTAATTCTTGGAAAAGCA-3'
Protein context (NP_003117.2, residues 1007-1027): LSSINKDWWK[Val1017Met]EAADHQGIVP

ClinVar aggregate classification (germline): Uncertain significance (1 of 4 stars; one submission).

Submission:

GeneDx
Classification: Uncertain significance. Last evaluated: 2026-04-16. Review status: criteria provided, single submitter. Criteria: GeneDx Variant Classification Process June 2021. Collection method: clinical testing. Allele origin: germline.
Comment: Not observed at significant frequency in large population cohorts (gnomAD); In silico analysis supports that this missense variant has a deleterious effect on protein structure/function; Has not been previously published as pathogenic or benign to our knowledge